The following is an entry in ClinVar:

ClinVar aggregate classification (germline): Benign (1 of 4 stars; one submission).

gnomAD v4.1: 29,897 of 1,610,816 alleles (1.9%); highest among the groups gnomAD compares: Non-Finnish European, 2.3%; 326 homozygotes.

Submission:

Mayo Clinic Laboratories, Mayo Clinic
Classification: Benign. Last evaluated: 2022-05-17. Review status: criteria provided, single submitter. Criteria: ACMG Guidelines, 2015. Collection method: clinical testing. Allele origin: germline. Observed: 63 variant alleles.
Comment: BS1, BS2, BP4, BP7

NM_001355436.2(SPTB):c.647+21G>A

Gene: SPTB (spectrin beta, erythrocytic; minus strand). Cytogenetic location: 14q23.3.
Variant type: single nucleotide variant.
Coding change: c.647+21G>A on transcript NM_001355436.2 (MANE Select); 21 bases into the intron after coding-DNA position 647, G replaced by A.
Molecular consequence: intron variant.
Genome position (GRCh38, 1-based): chr14:64,801,733, C>T on the plus strand (G>A on the coding strand, the complement: SPTB is on the minus strand). VCF-style: chr14-64801733-C-T. GRCh37 (hg19) VCF-style: chr14-65268451-C-T.
Other names: p.?; c.647+21G>A (NM_001024858.4, NM_001355437.2).
Identifiers: ClinVar variation 4683884 (VCV004683884.1).